The following is an entry in ClinVar:

ClinVar aggregate classification (germline): Uncertain significance (1 of 4 stars; one submission).

Conditions:
Inborn genetic diseases. Identifiers: MedGen C0950123, MeSH D030342.

Submission:

Ambry Genetics
Classification: Uncertain significance for Inborn genetic diseases. Last evaluated: 2026-07-20. Review status: criteria provided, single submitter. Criteria: Ambry Variant Classification Scheme 2023. Collection method: clinical testing. Allele origin: germline.
Comment: The p.Q341R variant (also known as c.1022A>G), located in coding exon 7 of the MECOM gene, results from an A to G substitution at nucleotide position 1022. The glutamine at codon 341 is replaced by arginine, an amino acid with highly similar properties. This amino acid position is conserved. In addition, the in silico prediction for this alteration is inconclusive. Based on the available evidence, the clinical significance of this variant remains unclear.

NM_004991.4(MECOM):c.1022A>G (p.Gln341Arg)

Gene: MECOM (MDS1 and EVI1 complex locus; minus strand). Cytogenetic location: 3q26.2.
Variant type: single nucleotide variant.
Coding change: c.1022A>G on transcript NM_004991.4 (MANE Select); coding-DNA position 1022, A replaced by G.
Protein change: p.Gln341Arg; replaces glutamine 341 with arginine.
Molecular consequence: missense variant.
Genome position (GRCh38, 1-based): chr3:169,121,166, T>C on the plus strand (A>G on the coding strand, the complement: MECOM is on the minus strand). VCF-style: chr3-169121166-T-C. GRCh37 (hg19) VCF-style: chr3-168838954-T-C.
Other names: c.653A>G, p.Gln218Arg (NM_001105077.4); c.458A>G, p.Gln153Arg (NM_001105078.4, NM_001164000.2, NM_001205194.2 and 5 more transcripts); c.461A>G, p.Gln154Arg (NM_001163999.2, NM_001366467.2, NM_001366468.2 and 1 more transcripts); c.1022A>G, p.Gln341Arg (NM_001366466.2, NM_001366473.2); short protein forms Q218R, Q341R, Q153R, Q154R.
Identifiers: ClinVar variation 5024141 (VCV005024141.1).